The following is an entry in ClinVar:

ClinVar aggregate classification (germline): Benign/Likely benign. Review status: criteria provided, multiple submitters, no conflicts (2 of 4 stars). 8 submissions from 7 submitters: Benign (3); Likely benign (5). Last evaluated 2026-09-24.

Conditions:
Neuropathy, hereditary sensory, type 1D. Identifiers: Orphanet 36386, MedGen C3150972, MONDO:0013381, OMIM 613708.
Hereditary spastic paraplegia 3A (SPG3A). Also called: Spastic paraplegia 3A, autosomal dominant; SPASTIC PARAPLEGIA 3, AUTOSOMAL DOMINANT; FAMILIAL SPASTIC PARAPLEGIA, AUTOSOMAL DOMINANT, 1; SPG3; STRUMPELL DISEASE; Spastic Paraplegia 3A. Identifiers: Orphanet 100984, MedGen C2931355, MONDO:0008437, OMIM 182600.
Hereditary spastic paraplegia. Also called: Familial spastic paraparesis. Identifiers: Orphanet 685, MedGen C0037773, MONDO:0019064. Disease mechanism: loss of function.
ATL1-related disorder. Also called: ATL1-related condition.
Inborn genetic diseases. Identifiers: MedGen C0950123, MeSH D030342.

Allele frequency attached by ClinVar (database versions not stated): gnomAD exomes 0.00013 and 0.00043; TOPMed 0.00014; gnomAD 0.00016 and 0.00019; ExAC 0.00065; 1000 Genomes Project 0.00100; 1000 Genomes Project 30x 0.00109.
gnomAD v4.1: 214 of 1,557,344 alleles (0.014%); highest among the groups gnomAD compares: East Asian, 0.24%; 2 homozygotes.

Submissions (8):

PreventionGenetics, part of Exact Sciences
Classification: Likely benign for ATL1-related condition. Last evaluated: 2026-09-24. Review status: criteria provided, single submitter. Criteria: ACMG Guidelines, 2015. Collection method: clinical testing. Allele origin: germline.
Comment: This variant is classified as likely benign based on ACMG/AMP sequence variant interpretation guidelines (Richards et al. 2015 PMID: 25741868, with internal and published modifications).

Labcorp Genetics (formerly Invitae), Labcorp
Classification: Benign for Hereditary spastic paraplegia 3A. Last evaluated: 2025-12-01. Review status: criteria provided, single submitter. Criteria: Invitae Variant Classification Sherloc (09022015). Collection method: clinical testing. Allele origin: germline.

Blueprint Genetics
Classification: Likely benign. Last evaluated: 2024-10-11. Review status: criteria provided, single submitter. Criteria: ACMG Guidelines, 2015. Collection method: clinical testing. Allele origin: germline.

Genome-Nilou Lab
Classification: Benign for Neuropathy, hereditary sensory, type 1D. Last evaluated: 2021-12-05. Review status: criteria provided, single submitter. Criteria: ACMG Guidelines, 2015. Collection method: clinical testing. Allele origin: germline. Affected: no.

Genome-Nilou Lab
Classification: Benign for Hereditary spastic paraplegia 3A. Last evaluated: 2021-12-05. Review status: criteria provided, single submitter. Criteria: ACMG Guidelines, 2015. Collection method: clinical testing. Allele origin: germline. Affected: no.

Ambry Genetics
Classification: Likely benign for Inborn genetic diseases. Last evaluated: 2021-06-30. Review status: criteria provided, single submitter. Criteria: Ambry Variant Classification Scheme 2023. Collection method: clinical testing. Allele origin: germline.

Genome Diagnostics Laboratory, The Hospital for Sick Children
Classification: Likely benign for Hereditary spastic paraplegia. Last evaluated: 2019-08-01. Review status: criteria provided, single submitter. Criteria: ACMG Guidelines, 2015. Collection method: clinical testing. Allele origin: germline. Affected: yes.

Illumina Laboratory Services, Illumina
Classification: Likely benign for Hereditary spastic paraplegia 3A. Last evaluated: 2017-04-27. Review status: criteria provided, single submitter. Criteria: ICSL Variant Classification Criteria 13 December 2019. Collection method: clinical testing. Allele origin: germline.
Comment: This variant was observed as part of a predisposition screen in an ostensibly healthy population. A literature search was performed for the gene, cDNA change, and amino acid change (where applicable). No publications were found based on this search. Allele frequency data from public databases allowed determination this variant is unlikely to cause disease. Therefore, this variant is classified as likely benign.

NM_015915.5(ATL1):c.991-6T>G

Gene: ATL1 (atlastin GTPase 1; plus strand). Cytogenetic location: 14q22.1.
Variant type: single nucleotide variant.
Coding change: c.991-6T>G on transcript NM_015915.5 (MANE Select); 6 bases into the intron before coding-DNA position 991, T replaced by G.
Molecular consequence: intron variant.
Genome position (GRCh38, 1-based): chr14:50,621,837, T>G. VCF-style: chr14-50621837-T-G. GRCh37 (hg19) VCF-style: chr14-51088555-T-G.
Other names: c.991-6T>G (NM_001127713.1, NM_181598.4).
Identifiers: ClinVar variation 313303 (VCV000313303.21), dbSNP rs192428744, ClinGen allele CA7180397.
Genomic context (GRCh38, chr14:50,621,837, plus strand): 5'-TTTCATAGAATTAGAGGAAATATTGAATGGAATTGCTTGAACATGAATCTTTTTCTTTTT[T>G]TTTAGGCTTATATAAAGATCTATCAAGGTGAAGAATTACCACATCCCAAATCCATGTTAC-3'